The following is an entry in ClinVar:

NM_002010.3(FGF9):c.420C>T (p.Phe140=)

Gene: FGF9 (fibroblast growth factor 9; plus strand). Cytogenetic location: 13q12.11.
Variant type: single nucleotide variant.
Coding change: c.420C>T on transcript NM_002010.3 (MANE Select); coding-DNA position 420, C replaced by T.
Protein change: p.Phe140=; no amino-acid change (phenylalanine 140 retained).
Molecular consequence: synonymous variant.
Genome position (GRCh38, 1-based): chr13:21,701,228, C>T. VCF-style: chr13-21701228-C-T. GRCh37 (hg19) VCF-style: chr13-22275367-C-T.
Identifiers: ClinVar variation 883651 (VCV000883651.11), dbSNP rs765041263, ClinGen allele CA6909493.
Genomic context (GRCh38, chr13:21,701,228, plus strand): 5'-CTCCCTCTTTTTCTTTTTACAGGAAAAACTAACCCAAGAGTGTGTATTCAGAGAACAGTT[C>T]GAAGAAAACTGGTATAATACGTACTCATCAAACCTATATAAGCACGTGGACACTGGAAGG-3'
Protein context (NP_002001.1, residues 130-150): LTQECVFREQ[Phe140=]EENWYNTYSS

ClinVar aggregate classification (germline): Likely benign. Review status: criteria provided, multiple submitters, no conflicts (2 of 4 stars). 2 submissions from 2 submitters: Likely benign (2). Last evaluated 2025-10-06.

Conditions:
Multiple synostoses syndrome 3 (SYNS3). Identifiers: Orphanet 3237, MedGen C2751826, MONDO:0013064, OMIM 612961.

Allele frequency attached by ClinVar (database versions not stated): gnomAD 0.00005 and 0.00006; TOPMed 0.00010.
gnomAD v4.1: 109 of 1,613,364 alleles (0.0068%); highest among the groups gnomAD compares: Non-Finnish European, 0.0077%; no homozygotes.

Submissions (2):

Labcorp Genetics (formerly Invitae), Labcorp
Classification: Likely benign. Last evaluated: 2025-10-06. Review status: criteria provided, single submitter. Criteria: Invitae Variant Classification Sherloc (09022015). Collection method: clinical testing. Allele origin: germline.

Illumina Laboratory Services, Illumina
Classification: Likely benign for Multiple synostoses syndrome 3. Last evaluated: 2018-01-12. Review status: criteria provided, single submitter. Criteria: ICSL Variant Classification Criteria 13 December 2019. Collection method: clinical testing. Allele origin: germline.
Comment: This variant was observed in the ICSL laboratory as part of a predisposition screen in an ostensibly healthy population. It had not been previously curated by ICSL or reported in the Human Gene Mutation Database (HGMD: prior to June 1st, 2018), and was therefore a candidate for classification through an automated scoring system. Utilizing variant allele frequency, disease prevalence and penetrance estimates, and inheritance mode, an automated score was calculated to assess if this variant is too frequent to cause the disease. Based on the score and internal cut-off values, a variant classified as likely benign is not then subjected to further curation. The score for this variant resulted in a classification of likely benign for this disease.